The following is an entry in ClinVar:

NM_001111.5(ADAR):c.1213A>G (p.Thr405Ala)

Gene: ADAR (adenosine deaminase RNA specific; minus strand). Cytogenetic location: 1q21.3.
Variant type: single nucleotide variant.
Coding change: c.1213A>G on transcript NM_001111.5 (MANE Select); coding-DNA position 1213, A replaced by G.
Protein change: p.Thr405Ala; replaces threonine 405 with alanine.
Molecular consequence: missense variant.
Genome position (GRCh38, 1-based): chr1:154,601,429, T>C on the plus strand (A>G on the coding strand, the complement: ADAR is on the minus strand). VCF-style: chr1-154601429-T-C. GRCh37 (hg19) VCF-style: chr1-154573905-T-C.
Other names: c.328A>G, p.Thr110Ala (NM_001025107.3, NM_001193495.2, NM_001365046.1 and 3 more transcripts); c.1240A>G, p.Thr414Ala (NM_001365045.1); c.1213A>G, p.Thr405Ala (NM_015840.4, NM_015841.4); short protein forms T405A, T110A, T414A.
Identifiers: ClinVar variation 2950708 (VCV002950708.3), dbSNP rs2526651200, ClinGen allele CA342597116.

ClinVar aggregate classification (germline): Uncertain significance (1 of 4 stars; one submission).

Conditions:
Symmetrical dyschromatosis of extremities (DSH). Also called: DYSCHROMATOSIS SYMMETRICA HEREDITARIA 1; RETICULATE ACROPIGMENTATION OF DOHI; SYMMETRIC DYSCHROMATOSIS OF THE EXTREMITIES; Dyschromatosis symmetrica hereditaria. Identifiers: Orphanet 41, MedGen C0406775, MONDO:0007483, OMIM 127400.
Aicardi-Goutieres syndrome 6 (AGS6). Identifiers: Orphanet 51, MedGen C3539013, MONDO:0014007, OMIM 615010.

gnomAD v4.1: 1 of 1,614,228 alleles (0.000062%); no homozygotes.

Submission:

Labcorp Genetics (formerly Invitae), Labcorp
Classification: Uncertain significance for Aicardi-Goutieres syndrome 6; Symmetrical dyschromatosis of extremities. Last evaluated: 2023-08-05. Review status: criteria provided, single submitter. Criteria: Invitae Variant Classification Sherloc (09022015). Collection method: clinical testing. Allele origin: germline.
Comment: Advanced modeling of protein sequence and biophysical properties (such as structural, functional, and spatial information, amino acid conservation, physicochemical variation, residue mobility, and thermodynamic stability) performed at Invitae indicates that this missense variant is not expected to disrupt ADAR protein function. In summary, the available evidence is currently insufficient to determine the role of this variant in disease. Therefore, it has been classified as a Variant of Uncertain Significance. This variant has not been reported in the literature in individuals affected with ADAR-related conditions. This variant is not present in population databases (gnomAD no frequency). This sequence change replaces threonine, which is neutral and polar, with alanine, which is neutral and non-polar, at codon 405 of the ADAR protein (p.Thr405Ala).